The following is an entry in ClinVar:

NM_005591.4(MRE11):c.*2662A>G

Gene: MRE11 (MRE11 homolog, double strand break repair nuclease; minus strand). Cytogenetic location: 11q21.
Variant type: single nucleotide variant.
Coding change: c.*2662A>G on transcript NM_005591.4 (MANE Select); 2662 bases downstream of the stop codon, A replaced by G.
Molecular consequence: 3 prime UTR variant.
Genome position (GRCh38, 1-based): chr11:94,417,463, T>C on the plus strand (A>G on the coding strand, the complement: MRE11 is on the minus strand). VCF-style: chr11-94417463-T-C. GRCh37 (hg19) VCF-style: chr11-94150629-T-C.
Other names: c.*2662A>G (NM_001330347.2, NM_005590.4).
Identifiers: ClinVar variation 306449 (VCV000306449.5), dbSNP rs13447759, ClinGen allele CA10640484.
Genomic context (GRCh38, chr11:94,417,463, plus strand): 5'-CTGAACCAAATGAAATACCTAAGTAAAGCAAATTACATGATTAGAAGGCTAATTATGGTA[T>C]TACTGCATAGGTTTAGTATTAATGCATATGTTCTAAGTTTATTGCAACTACACTAACTTC-3'

ClinVar aggregate classification (germline): Benign (1 of 4 stars; one submission).

Conditions:
Ataxia-telangiectasia-like disorder 1 (ATLD1). Identifiers: Orphanet 251347, MedGen C4012790, MONDO:0024557, OMIM 604391.

Allele frequency attached by ClinVar (database versions not stated): gnomAD exomes 0.00070; gnomAD 0.00380 and 0.00408; TOPMed 0.00419; 1000 Genomes Project 0.00459; 1000 Genomes Project 30x 0.00468.
gnomAD v4.1: 638 of 232,998 alleles (0.27%); highest among the groups gnomAD compares: African/African-American, 1.3%; 3 homozygotes.

Submission:

Illumina Laboratory Services, Illumina
Classification: Benign for Ataxia-telangiectasia-like disorder 1. Last evaluated: 2018-01-13. Review status: criteria provided, single submitter. Criteria: ICSL Variant Classification Criteria 13 December 2019. Collection method: clinical testing. Allele origin: germline.
Comment: This variant was observed in the ICSL laboratory as part of a predisposition screen in an ostensibly healthy population. It had not been previously curated by ICSL or reported in the Human Gene Mutation Database (HGMD: prior to June 1st, 2018), and was therefore a candidate for classification through an automated scoring system. Utilizing variant allele frequency, disease prevalence and penetrance estimates, and inheritance mode, an automated score was calculated to assess if this variant is too frequent to cause the disease. Based on the score and internal cut-off values, a variant classified as benign is not then subjected to further curation. The score for this variant resulted in a classification of benign for this disease.